The following is an entry in ClinVar:

ClinVar aggregate classification (germline): Benign (0 of 4 stars; one submission).

Conditions:
GPNMB-related disorder. Also called: GPNMB-related condition.

Allele frequency attached by ClinVar (database versions not stated): 1000 Genomes Project 0.36621; ExAC 0.37035; 1000 Genomes Project 30x 0.37039; gnomAD exomes 0.39323; gnomAD 0.41452; TOPMed 0.41488; ESP Exome Variant Server 0.43449.

Submission:

PreventionGenetics, part of Exact Sciences
Classification: Benign for GPNMB-related condition. Last evaluated: 2019-10-23. Review status: no assertion criteria provided. Collection method: clinical testing. Allele origin: germline.
Comment: This variant is classified as benign based on ACMG/AMP sequence variant interpretation guidelines (Richards et al. 2015 PMID: 25741868, with internal and published modifications).

NM_002510.3(GPNMB):c.390G>A (p.Pro130=)

Gene: GPNMB (glycoprotein nmb; plus strand). Cytogenetic location: 7p15.3.
Variant type: single nucleotide variant.
Coding change: c.390G>A on transcript NM_002510.3 (MANE Select); coding-DNA position 390, G replaced by A.
Protein change: p.Pro130=; no amino-acid change (proline 130 retained).
Molecular consequence: synonymous variant.
Genome position (GRCh38, 1-based): chr7:23,256,914, G>A. VCF-style: chr7-23256914-G-A. GRCh37 (hg19) VCF-style: chr7-23296533-G-A.
Other names: c.390G>A, p.Pro130= (NM_001005340.2).
Identifiers: ClinVar variation 3059129 (VCV003059129.2), dbSNP rs199355, ClinGen allele CA4187371.